The following is an entry in ClinVar:

NM_080424.4(SP110):c.1737G>A (p.Met579Ile)

Gene: SP110 (SP110 nuclear body protein; minus strand). Cytogenetic location: 2q37.1.
Variant type: single nucleotide variant.
Coding change: c.1737G>A on transcript NM_080424.4 (MANE Select); coding-DNA position 1737, G replaced by A.
Protein change: p.Met579Ile; replaces methionine 579 with isoleucine.
Molecular consequence: missense variant.
Genome position (GRCh38, 1-based): chr2:230,172,144, C>T on the plus strand (G>A on the coding strand, the complement: SP110 is on the minus strand). VCF-style: chr2-230172144-C-T. GRCh37 (hg19) VCF-style: chr2-231036860-C-T.
Other names: c.1755G>A, p.Met585Ile (NM_001378442.1, NM_001378444.1, NM_001378445.1 and 1 more transcripts); c.1737G>A, p.Met579Ile (NM_001378443.1, NM_004509.5); c.1737G>A (NM_004509.4); short protein forms M579I, M585I.
Identifiers: ClinVar variation 334897 (VCV000334897.19), dbSNP rs3948463, ClinGen allele CA2154361.

ClinVar aggregate classification (germline): Benign/Likely benign. Review status: criteria provided, multiple submitters, no conflicts (2 of 4 stars). 6 submissions from 6 submitters: Benign (5); Likely benign (1). Last evaluated 2026-02-04.

Conditions:
Hepatic veno-occlusive disease-immunodeficiency syndrome. Also called: Hepatic Veno-Occlusive Disease with Immunodeficiency. Identifiers: Orphanet 79124, MedGen C1856128, MONDO:0009338, OMIM 235550. Disease mechanism: loss of function.

Allele frequency attached by ClinVar (database versions not stated): 1000 Genomes Project 0.03954; 1000 Genomes Project 30x 0.04029; TOPMed 0.05216; gnomAD 0.05284 and 0.05302; gnomAD exomes 0.05989 and 0.06900; ESP Exome Variant Server 0.06028; ExAC 0.06057.
gnomAD v4.1: 108,683 of 1,611,874 alleles (6.7%); highest among the groups gnomAD compares: Middle Eastern, 8.6%; 4,258 homozygotes.

Submissions (6):

Labcorp Genetics (formerly Invitae), Labcorp
Classification: Benign for Hepatic veno-occlusive disease-immunodeficiency syndrome. Last evaluated: 2026-02-04. Review status: criteria provided, single submitter. Criteria: Invitae Variant Classification Sherloc (09022015). Collection method: clinical testing. Allele origin: germline.

Blueprint Genetics
Classification: Likely benign. Last evaluated: 2024-11-26. Review status: criteria provided, single submitter. Criteria: ACMG Guidelines, 2015. Collection method: clinical testing. Allele origin: germline.

Mayo Clinic Laboratories, Mayo Clinic
Classification: Benign. Last evaluated: 2022-09-06. Review status: criteria provided, single submitter. Criteria: ACMG Guidelines, 2015. Collection method: clinical testing. Allele origin: germline. Observed: 2 variant alleles.

Illumina Laboratory Services, Illumina
Classification: Benign for Hepatic veno-occlusive disease-immunodeficiency syndrome. Last evaluated: 2018-01-13. Review status: criteria provided, single submitter. Criteria: ICSL Variant Classification Criteria 13 December 2019. Collection method: clinical testing. Allele origin: germline.
Comment: This variant was observed in the ICSL laboratory as part of a predisposition screen in an ostensibly healthy population. It had not been previously curated by ICSL or reported in the Human Gene Mutation Database (HGMD: prior to June 1st, 2018), and was therefore a candidate for classification through an automated scoring system. Utilizing variant allele frequency, disease prevalence and penetrance estimates, and inheritance mode, an automated score was calculated to assess if this variant is too frequent to cause the disease. Based on the score and internal cut-off values, a variant classified as benign is not then subjected to further curation. The score for this variant resulted in a classification of benign for this disease.

Laboratory for Molecular Medicine, Mass General Brigham Personalized Medicine
Classification: Benign. Last evaluated: 2016-03-29. Review status: criteria provided, single submitter. Criteria: LMM Criteria. Collection method: clinical testing. Allele origin: germline.
Comment: Variant identified in a genome or exome case(s) and assessed due to predicted null impact of the variant or pathogenic assertions in the literature or databases. Disclaimer: This variant has not undergone full assessment. The following are preliminary notes: MAF

Breakthrough Genomics
Classification: Benign. Review status: criteria provided, single submitter. Criteria: ACMG Guidelines, 2015. Collection method: not provided. Allele origin: germline. Inheritance: Autosomal recessive inheritance. Affected: yes.